The following is an entry in ClinVar:

NM_182925.5(FLT4):c.1089G>A (p.Pro363=)

Gene: FLT4 (fms related receptor tyrosine kinase 4; minus strand). Cytogenetic location: 5q35.3.
Variant type: single nucleotide variant.
Coding change: c.1089G>A on transcript NM_182925.5 (MANE Select); coding-DNA position 1089, G replaced by A.
Protein change: p.Pro363=; no amino-acid change (proline 363 retained).
Molecular consequence: synonymous variant.
Genome position (GRCh38, 1-based): chr5:180,628,896, C>T on the plus strand (G>A on the coding strand, the complement: FLT4 is on the minus strand). VCF-style: chr5-180628896-C-T. GRCh37 (hg19) VCF-style: chr5-180055896-C-T.
Other names: c.1089G>A, p.Pro363= (NM_001354989.2, NM_002020.5).
Identifiers: ClinVar variation 4979967 (VCV004979967.1).

ClinVar aggregate classification (germline): Likely benign (1 of 4 stars; one submission).

Conditions:
FLT4-related disorder. Also called: FLT4-related condition.

Submission:

PreventionGenetics, part of Exact Sciences
Classification: Likely benign for FLT4-related condition. Last evaluated: 2026-08-17. Review status: criteria provided, single submitter. Criteria: ACMG Guidelines, 2015. Collection method: clinical testing. Allele origin: germline.
Comment: This variant is classified as likely benign based on ACMG/AMP sequence variant interpretation guidelines (Richards et al. 2015 PMID: 25741868, with internal and published modifications).